The following is an entry in ClinVar:

NM_020381.4(PDSS2):c.1151C>A (p.Ala384Asp)

Gene: PDSS2 (decaprenyl diphosphate synthase subunit 2; minus strand). Cytogenetic location: 6q21.
Variant type: single nucleotide variant.
Coding change: c.1151C>A on transcript NM_020381.4 (MANE Select); coding-DNA position 1151, C replaced by A.
Protein change: p.Ala384Asp; replaces alanine 384 with aspartic acid.
Molecular consequence: missense variant.
Genome position (GRCh38, 1-based): chr6:107,154,668, G>T on the plus strand (C>A on the coding strand, the complement: PDSS2 is on the minus strand). VCF-style: chr6-107154668-G-T. GRCh37 (hg19) VCF-style: chr6-107475872-G-T.
Other names: short protein forms A384D.
Identifiers: ClinVar variation 1030705 (VCV001030705.1), dbSNP rs1236270228, ClinGen allele CA365321933.

ClinVar aggregate classification (germline): Uncertain significance (1 of 4 stars; one submission).

Conditions:
Coenzyme Q10 deficiency, primary, 3 (COQ10D3). Identifiers: Orphanet 255249, MedGen C3553358, MONDO:0013838, OMIM 614652.

Submission:

Baylor Genetics
Classification: Uncertain significance for Coenzyme Q10 deficiency, primary, 3. Last evaluated: 2020-01-21. Review status: criteria provided, single submitter. Criteria: ACMG Guidelines, 2015. Collection method: clinical testing. Allele origin: unknown. Affected: yes.
Comment: This variant was determined to be of uncertain significance according to ACMG Guidelines, 2015 [PMID:25741868].